The following is an entry in ClinVar:

ClinVar aggregate classification (germline): Conflicting classifications of pathogenicity. Review status: criteria provided, conflicting classifications (1 of 4 stars). 2 submissions from 2 submitters: Likely pathogenic (1); Uncertain significance (1). Last evaluated 2025-08-08.

Conditions:
Autosomal recessive polycystic kidney disease (ARPKD). Also called: AR polycystic kidney disease. Identifiers: Orphanet 731, Orphanet 8378, MedGen C0085548, MeSH D017044, MONDO:0009889.
Polycystic kidney disease 4 (PKD4). Also called: POLYCYSTIC KIDNEY DISEASE 4 WITH OR WITHOUT POLYCYSTIC LIVER DISEASE; PKD3; POLYCYSTIC KIDNEY AND HEPATIC DISEASE 1; POLYCYSTIC KIDNEY DISEASE, INFANTILE, TYPE I; Autosomal Recessive Polycystic Kidney Disease – PKHD1. Identifiers: MedGen C4540575, MONDO:0033004, OMIM 263200.

Submissions (2):

Natera, Inc.
Classification: Likely pathogenic for Autosomal recessive polycystic kidney disease. Last evaluated: 2025-08-08. Review status: criteria provided, single submitter. Criteria: Natera Variant Classification Schema (03/2026). Collection method: clinical testing. Allele origin: germline.
Comment: The c.11980C>T variant in PKHD1 is a nonsense variant predicted to introduce a stop codon at amino acid 3994. This variant is expected to result in nonsense mediated decay, truncation, or a dysfunctional protein product. This variant is rare in the general population with a frequency below the threshold expected for the associated phenotype(s). Given the available evidence, this variant is classified as Likely Pathogenic.

Baylor Genetics
Classification: Uncertain significance for Polycystic kidney disease 4. Last evaluated: 2023-12-06. Review status: criteria provided, single submitter. Criteria: ACMG Guidelines, 2015. Collection method: clinical testing. Allele origin: unknown.

NM_138694.4(PKHD1):c.11980C>T (p.Gln3994Ter)

Gene: PKHD1 (PKHD1 ciliary IPT domain containing fibrocystin/polyductin; minus strand). Cytogenetic location: 6p12.3.
Variant type: single nucleotide variant.
Coding change: c.11980C>T on transcript NM_138694.4 (MANE Select); coding-DNA position 11980, C replaced by T.
Protein change: p.Gln3994Ter; replaces glutamine 3994 with a stop codon.
Molecular consequence: nonsense.
Genome position (GRCh38, 1-based): chr6:51,619,326, G>A on the plus strand (C>T on the coding strand, the complement: PKHD1 is on the minus strand). VCF-style: chr6-51619326-G-A. GRCh37 (hg19) VCF-style: chr6-51484124-G-A.
Other names: c.11980C>T (NM_138694.3); short protein forms Q3994*.
Identifiers: ClinVar variation 3240147 (VCV003240147.2), dbSNP rs1766321098.